The following is an entry in ClinVar:

NM_001371986.1(UNC80):c.865T>C (p.Cys289Arg)

Gene: UNC80 (unc-80 homolog, NALCN channel complex subunit; plus strand). Cytogenetic location: 2q34.
Variant type: single nucleotide variant.
Coding change: c.865T>C on transcript NM_001371986.1 (MANE Select); coding-DNA position 865, T replaced by C.
Protein change: p.Cys289Arg; replaces cysteine 289 with arginine.
Molecular consequence: missense variant.
Genome position (GRCh38, 1-based): chr2:209,793,786, T>C. VCF-style: chr2-209793786-T-C. GRCh37 (hg19) VCF-style: chr2-210658510-T-C.
Other names: c.865T>C, p.Cys289Arg (NM_032504.2, NM_182587.4); short protein forms C289R.
Identifiers: ClinVar variation 1470893 (VCV001470893.3), dbSNP rs773501072, ClinGen allele CA2082865.

ClinVar aggregate classification (germline): Uncertain significance (1 of 4 stars; one submission).

Allele frequency attached by ClinVar (database versions not stated): TOPMed 0.00001; ExAC 0.00003; gnomAD exomes 0.00003 and 0.00005.
gnomAD v4.1: 15 of 1,614,186 alleles (0.00093%); highest among the groups gnomAD compares: Admixed American, 0.025%; no homozygotes.

Submission:

Labcorp Genetics (formerly Invitae), Labcorp
Classification: Uncertain significance. Last evaluated: 2022-08-09. Review status: criteria provided, single submitter. Criteria: Invitae Variant Classification Sherloc (09022015). Collection method: clinical testing. Allele origin: germline.
Comment: This sequence change replaces cysteine, which is neutral and slightly polar, with arginine, which is basic and polar, at codon 289 of the UNC80 protein (p.Cys289Arg). This variant is present in population databases (rs773501072, gnomAD 0.04%). This variant has not been reported in the literature in individuals affected with UNC80-related conditions. ClinVar contains an entry for this variant (Variation ID: 1470893). Algorithms developed to predict the effect of missense changes on protein structure and function are either unavailable or do not agree on the potential impact of this missense change (SIFT: "Not Available"; PolyPhen-2: "Possibly Damaging"; Align-GVGD: "Not Available"). In summary, the available evidence is currently insufficient to determine the role of this variant in disease. Therefore, it has been classified as a Variant of Uncertain Significance.